The following is an entry in ClinVar:

NM_000093.5(COL5A1):c.2484+6C>T

Gene: COL5A1 (collagen type V alpha 1 chain; plus strand). Cytogenetic location: 9q34.3.
Variant type: single nucleotide variant.
Coding change: c.2484+6C>T on transcript NM_000093.5 (MANE Select); 6 bases into the intron after coding-DNA position 2484, C replaced by T.
Molecular consequence: intron variant.
Genome position (GRCh38, 1-based): chr9:134,782,726, C>T. VCF-style: chr9-134782726-C-T. GRCh37 (hg19) VCF-style: chr9-137674572-C-T.
Other names: c.2484+6C>T (NM_001278074.1).
Identifiers: ClinVar variation 385270 (VCV000385270.42), dbSNP rs576976549, ClinGen allele CA5319374.

ClinVar aggregate classification (germline): Conflicting classifications of pathogenicity. Review status: criteria provided, conflicting classifications (1 of 4 stars). 5 submissions from 5 submitters: Uncertain significance (1); Likely benign (2). 2 of the submissions do not count toward it. Last evaluated 2026-02-04.

Conditions:
Ehlers-Danlos syndrome, classic type, 1 (EDSCL1). Also called: Ehlers-Danlos syndrome, type 1; EDS I; EHLERS-DANLOS SYNDROME, GRAVIS TYPE; EHLERS-DANLOS SYNDROME, SEVERE CLASSIC TYPE; Ehlers-Danlos Syndrome, Classic Type, COL5A1-Related. Identifiers: MedGen C0268335, MONDO:0019567, OMIM 130000.

Allele frequency attached by ClinVar (database versions not stated): gnomAD exomes 0.00002; ExAC 0.00003; gnomAD 0.00003.
gnomAD v4.1: 115 of 1,600,244 alleles (0.0072%); highest among the groups gnomAD compares: Non-Finnish European, 0.0095%; no homozygotes.

Submissions (5):

Labcorp Genetics (formerly Invitae), Labcorp
Classification: Uncertain significance for Ehlers-Danlos syndrome, classic type, 1. Last evaluated: 2026-02-04. Review status: criteria provided, single submitter. Criteria: Invitae Variant Classification Sherloc (09022015). Collection method: clinical testing. Allele origin: germline.
Comment: This sequence change falls in intron 29 of the COL5A1 gene. It does not directly change the encoded amino acid sequence of the COL5A1 protein. It affects a nucleotide within the consensus splice site. This variant is present in population databases (rs576976549, gnomAD 0.005%). This variant has not been reported in the literature in individuals affected with COL5A1-related conditions. ClinVar contains an entry for this variant (Variation ID: 385270). Variants that disrupt the consensus splice site are a relatively common cause of aberrant splicing (PMID: 17576681, 9536098). Algorithms developed to predict the effect of sequence changes on RNA splicing suggest that this variant is not likely to affect RNA splicing. In summary, the available evidence is currently insufficient to determine the role of this variant in disease. Therefore, it has been classified as a Variant of Uncertain Significance.

CeGaT Center for Human Genetics Tuebingen
Classification: Likely benign. Last evaluated: 2022-11-01. Review status: criteria provided, single submitter. Criteria: CeGaT Center For Human Genetics Tuebingen Variant Classification Criteria Version 2. Collection method: clinical testing. Allele origin: germline. Affected: yes. Observed: 1 variant allele.
Comment: COL5A1: BP4

GeneDx
Classification: Likely benign. Last evaluated: 2020-09-02. Review status: criteria provided, single submitter. Criteria: GeneDx Variant Classification Process June 2021. Collection method: clinical testing. Allele origin: germline. Affected: yes.

Clinical Genetics DNA and cytogenetics Diagnostics Lab, Erasmus MC, Erasmus Medical Center
Classification: Likely benign. Review status: no assertion criteria provided. Collection method: clinical testing. Allele origin: germline. Affected: yes. Study: VKGL Data-share Consensus. Not counted in ClinVar's aggregate classification.

Genome Diagnostics Laboratory, Amsterdam University Medical Center
Classification: Likely benign. Review status: no assertion criteria provided. Collection method: clinical testing. Allele origin: germline. Affected: yes. Study: VKGL Data-share Consensus. Not counted in ClinVar's aggregate classification.

Literature cited by the submitters: PubMed 17576681 (cited by Labcorp Genetics (formerly Invitae), Labcorp); PubMed 9536098 (cited by Labcorp Genetics (formerly Invitae), Labcorp).